The following is an entry in ClinVar:

ClinVar aggregate classification (germline): Uncertain significance (1 of 4 stars; one submission).

gnomAD v4.1: 3 of 1,613,730 alleles (0.00019%); highest among the groups gnomAD compares: Non-Finnish European, 0.00025%; no homozygotes.

Submission:

GeneDx
Classification: Uncertain significance. Last evaluated: 2024-05-03. Review status: criteria provided, single submitter. Criteria: GeneDx Variant Classification Process June 2021. Collection method: clinical testing. Allele origin: germline. Affected: yes.
Comment: Not observed at significant frequency in large population cohorts (gnomAD); In silico analysis indicates that this missense variant does not alter protein structure/function; Has not been previously published as pathogenic or benign to our knowledge

NM_001257180.2(SLC20A2):c.1304G>A (p.Ser435Asn)

Gene: SLC20A2 (solute carrier family 20 member 2; minus strand). Cytogenetic location: 8p11.21.
Variant type: single nucleotide variant.
Coding change: c.1304G>A on transcript NM_001257180.2 (MANE Select); coding-DNA position 1304, G replaced by A.
Protein change: p.Ser435Asn; replaces serine 435 with asparagine.
Molecular consequence: missense variant.
Genome position (GRCh38, 1-based): chr8:42,437,208, C>T on the plus strand (G>A on the coding strand, the complement: SLC20A2 is on the minus strand). VCF-style: chr8-42437208-C-T. GRCh37 (hg19) VCF-style: chr8-42294726-C-T.
Other names: c.1304G>A, p.Ser435Asn (NM_001257181.2, NM_006749.5); short protein forms S435N.
Identifiers: ClinVar variation 3371807 (VCV003371807.1).